The following is an entry in ClinVar:

ClinVar aggregate classification (germline): Uncertain significance (1 of 4 stars; one submission).

Conditions:
Nephrolithiasis/nephrocalcinosis. Identifiers: MedGen CN580796.

Submission:

Ambry Genetics
Classification: Uncertain significance for Nephrolithiasis/nephrocalcinosis. Last evaluated: 2021-08-20. Review status: criteria provided, single submitter. Criteria: Ambry Variant Classification Scheme 2023. Collection method: clinical testing. Allele origin: germline.
Comment: The p.T317A variant (also known as c.949A>G), located in coding exon 3 of the CASR gene, results from an A to G substitution at nucleotide position 949. The threonine at codon 317 is replaced by alanine, an amino acid with similar properties. This amino acid position is conserved. In addition, this alteration is predicted to be deleterious by in silico analysis. Since supporting evidence is limited at this time, the clinical significance of this alteration remains unclear.

NM_000388.4(CASR):c.949A>G (p.Thr317Ala)

Gene: CASR (calcium sensing receptor; plus strand). Cytogenetic location: 3q21.1.
Variant type: single nucleotide variant.
Coding change: c.949A>G on transcript NM_000388.4 (MANE Select); coding-DNA position 949, A replaced by G.
Protein change: p.Thr317Ala; replaces threonine 317 with alanine.
Molecular consequence: missense variant.
Genome position (GRCh38, 1-based): chr3:122,261,984, A>G. VCF-style: chr3-122261984-A-G. GRCh37 (hg19) VCF-style: chr3-121980831-A-G.
Other names: c.949A>G, p.Thr317Ala (NM_001178065.2); short protein forms T317A.
Identifiers: ClinVar variation 1767135 (VCV001767135.2), dbSNP rs2473227352, ClinGen allele CA354151730.